The following is an entry in ClinVar:

NM_000188.3(HK1):c.2146G>C (p.Gly716Arg)

Gene: HK1 (hexokinase 1; plus strand). Cytogenetic location: 10q22.1.
Variant type: single nucleotide variant.
Coding change: c.2146G>C on transcript NM_000188.3 (MANE Select); coding-DNA position 2146, G replaced by C.
Protein change: p.Gly716Arg; replaces glycine 716 with arginine.
Molecular consequence: missense variant.
Genome position (GRCh38, 1-based): chr10:69,392,235, G>C. VCF-style: chr10-69392235-G-C. GRCh37 (hg19) VCF-style: chr10-71151991-G-C.
Other names: c.2158G>C, p.Gly720Arg (NM_001322364.2, NM_001358263.1, NM_033497.3 and 1 more transcripts); c.2251G>C, p.Gly751Arg (NM_001322365.2); c.2062G>C, p.Gly688Arg (NM_001322366.1); c.2050G>C, p.Gly684Arg (NM_001322367.1); c.2143G>C, p.Gly715Arg (NM_033496.3); c.2110G>C, p.Gly704Arg (NM_033500.2); c.2146G>C (NM_000188.2); short protein forms G688R, G704R, G751R, G684R, G715R, G720R, G716R.
Identifiers: ClinVar variation 1515091 (VCV001515091.7), dbSNP rs895581035, ClinGen allele CA209215629.

ClinVar aggregate classification (germline): Uncertain significance. Review status: criteria provided, multiple submitters, no conflicts (2 of 4 stars). 2 submissions from 2 submitters: Uncertain significance (2). Last evaluated 2026-04-15.

Conditions:
Inborn genetic diseases. Identifiers: MedGen C0950123, MeSH D030342.

Submissions (2):

Ambry Genetics
Classification: Uncertain significance for Inborn genetic diseases. Last evaluated: 2026-04-15. Review status: criteria provided, single submitter. Criteria: Ambry Variant Classification Scheme 2023. Collection method: clinical testing. Allele origin: germline.
Comment: The c.2146G>C (p.G716R) alteration is located in exon 15 (coding exon 15) of the HK1 gene. This alteration results from a G to C substitution at nucleotide position 2146, causing the glycine (G) at amino acid position 716 to be replaced by an arginine (R). Based on data from gnomAD, the C allele has an overall frequency of 0.003% (1/31396) total alleles studied. The highest observed frequency was 0.007% (1/15422) of European (non-Finnish) alleles. Based on insufficient or conflicting evidence, the clinical significance of this alteration remains unclear.

Labcorp Genetics (formerly Invitae), Labcorp
Classification: Uncertain significance. Last evaluated: 2025-08-18. Review status: criteria provided, single submitter. Criteria: Invitae Variant Classification Sherloc (09022015). Collection method: clinical testing. Allele origin: germline.
Comment: This sequence change replaces glycine, which is neutral and non-polar, with arginine, which is basic and polar, at codon 716 of the HK1 protein (p.Gly716Arg). This variant is present in population databases (no rsID available, gnomAD 0.007%). This variant has not been reported in the literature in individuals affected with HK1-related conditions. ClinVar contains an entry for this variant (Variation ID: 1515091). Invitae Evidence Modeling of protein sequence and biophysical properties (such as structural, functional, and spatial information, amino acid conservation, physicochemical variation, residue mobility, and thermodynamic stability) has been performed for this missense variant. However, the output from this modeling did not meet the statistical confidence thresholds required to predict the impact of this variant on HK1 protein function. In summary, the available evidence is currently insufficient to determine the role of this variant in disease. Therefore, it has been classified as a Variant of Uncertain Significance.